The following is an entry in ClinVar:

NM_001367561.1(DOCK7):c.4429A>G (p.Thr1477Ala)

Gene: DOCK7 (dedicator of cytokinesis 7; minus strand). Cytogenetic location: 1p31.3.
Variant type: single nucleotide variant.
Coding change: c.4429A>G on transcript NM_001367561.1 (MANE Select); coding-DNA position 4429, A replaced by G.
Protein change: p.Thr1477Ala; replaces threonine 1477 with alanine.
Molecular consequence: missense variant.
Genome position (GRCh38, 1-based): chr1:62,508,009, T>C on the plus strand (A>G on the coding strand, the complement: DOCK7 is on the minus strand). VCF-style: chr1-62508009-T-C. GRCh37 (hg19) VCF-style: chr1-62973680-T-C.
Other names: c.4336A>G (NM_033407.2); c.4402A>G, p.Thr1468Ala (NM_001271999.2, NM_001330614.2); c.4309A>G, p.Thr1437Ala (NM_001272000.2, NM_001272001.2); c.4336A>G, p.Thr1446Ala (NM_033407.4); short protein forms T1446A, T1468A, T1477A, T1437A.
Identifiers: ClinVar variation 573408 (VCV000573408.12), dbSNP rs777656293, ClinGen allele CA885700.
Genomic context (GRCh38, chr1:62,508,009, plus strand): 5'-TTTGCATTCTTACCTGAACAACAATCTCTAATGTATCTAAAATGATTAGGTTTGCTTCTG[T>C]AGCCAGGTTTCCATCAATCAGTGCTTCGTGTTCAATCTCTGCTCTTGATCTAATACAAAA-3'
Protein context (NP_001354490.1, residues 1467-1487): HEALIDGNLA[Thr1477Ala]EANLIILDTL

ClinVar aggregate classification (germline): Uncertain significance. Review status: criteria provided, multiple submitters, no conflicts (2 of 4 stars). 6 submissions from 6 submitters: Uncertain significance (6). Last evaluated 2024-10-08.

Conditions:
Inborn genetic diseases. Identifiers: MedGen C0950123, MeSH D030342.
Developmental and epileptic encephalopathy, 23 (DEE23). Also called: Epileptic encephalopathy, early infantile, 23. Identifiers: Orphanet 411986, MedGen C4014492, MONDO:0014371, OMIM 615859.

Allele frequency attached by ClinVar (database versions not stated): gnomAD exomes 0.00006 and 0.00010; ExAC 0.00007; gnomAD 0.00010 and 0.00011; TOPMed 0.00010.
gnomAD v4.1: 156 of 1,612,998 alleles (0.0097%); highest among the groups gnomAD compares: Non-Finnish European, 0.013%; 1 homozygote.

Submissions (6):

Ambry Genetics
Classification: Uncertain significance for Inborn genetic diseases. Last evaluated: 2024-10-08. Review status: criteria provided, single submitter. Criteria: Ambry Variant Classification Scheme 2023. Collection method: clinical testing. Allele origin: germline.

Women's Health and Genetics/Laboratory Corporation of America, LabCorp
Classification: Uncertain significance. Last evaluated: 2024-01-31. Review status: criteria provided, single submitter. Criteria: LabCorp Variant Classification Summary - May 2015. Collection method: clinical testing. Allele origin: germline.
Comment: Variant summary: DOCK7 c.4336A>G (p.Thr1446Ala) results in a non-conservative amino acid change in the encoded protein sequence. Three of five in-silico tools predict a benign effect of the variant on protein function. The variant allele was found at a frequency of 6.4e-05 in 250500 control chromosomes. To our knowledge, no occurrence of c.4336A>G in individuals affected with Developmental And Epileptic Encephalopathy, 23 and no experimental evidence demonstrating its impact on protein function have been reported. ClinVar contains an entry for this variant (Variation ID: 573408). Based on the evidence outlined above, the variant was classified as uncertain significance.

Genome-Nilou Lab
Classification: Uncertain significance for Developmental and epileptic encephalopathy, 23. Last evaluated: 2023-04-11. Review status: criteria provided, single submitter. Criteria: ACMG Guidelines, 2015. Collection method: clinical testing. Allele origin: germline. Affected: no.

Blueprint Genetics
Classification: Uncertain significance. Last evaluated: 2022-10-26. Review status: criteria provided, single submitter. Criteria: ACMG Guidelines, 2015. Collection method: clinical testing. Allele origin: germline.

Labcorp Genetics (formerly Invitae), Labcorp
Classification: Uncertain significance for Developmental and epileptic encephalopathy, 23. Last evaluated: 2022-10-17. Review status: criteria provided, single submitter. Criteria: Invitae Variant Classification Sherloc (09022015). Collection method: clinical testing. Allele origin: germline.
Comment: This sequence change replaces threonine, which is neutral and polar, with alanine, which is neutral and non-polar, at codon 1468 of the DOCK7 protein (p.Thr1468Ala). This variant is present in population databases (rs777656293, gnomAD 0.01%). This variant has not been reported in the literature in individuals affected with DOCK7-related conditions. ClinVar contains an entry for this variant (Variation ID: 573408). Advanced modeling of protein sequence and biophysical properties (such as structural, functional, and spatial information, amino acid conservation, physicochemical variation, residue mobility, and thermodynamic stability) performed at Invitae indicates that this missense variant is not expected to disrupt DOCK7 protein function. In summary, the available evidence is currently insufficient to determine the role of this variant in disease. Therefore, it has been classified as a Variant of Uncertain Significance.

Fulgent Genetics
Classification: Uncertain significance for Developmental and epileptic encephalopathy, 23. Last evaluated: 2018-10-31. Review status: criteria provided, single submitter. Criteria: ACMG Guidelines, 2015. Collection method: clinical testing. Allele origin: unknown.